The following is an entry in ClinVar:

NM_152703.5(SAMD9L):c.4280A>G (p.Tyr1427Cys)

Gene: SAMD9L (sterile alpha motif domain containing 9 like; minus strand). Cytogenetic location: 7q21.2.
Variant type: single nucleotide variant.
Coding change: c.4280A>G on transcript NM_152703.5 (MANE Select); coding-DNA position 4280, A replaced by G.
Protein change: p.Tyr1427Cys; replaces tyrosine 1427 with cysteine.
Molecular consequence: missense variant.
Genome position (GRCh38, 1-based): chr7:93,131,692, T>C on the plus strand (A>G on the coding strand, the complement: SAMD9L is on the minus strand). VCF-style: chr7-93131692-T-C. GRCh37 (hg19) VCF-style: chr7-92761005-T-C.
Other names: c.4280A>G, p.Tyr1427Cys (NM_001303496.3, NM_001303497.3, NM_001303498.3 and 5 more transcripts); short protein forms Y1427C.
Identifiers: ClinVar variation 3896979 (VCV003896979.1).

ClinVar aggregate classification (germline): Uncertain significance (1 of 4 stars; one submission).

Conditions:
Spinocerebellar ataxia 49 (SCA49). Identifiers: Orphanet 631106, MedGen C5676950, MONDO:0030805, OMIM 619806.

Submission:

Kariminejad - Najmabadi Pathology & Genetics Center
Classification: Uncertain significance for Spinocerebellar ataxia 49. Last evaluated: 2023-04-20. Review status: criteria provided, single submitter. Criteria: ACMG Guidelines, 2015. Collection method: clinical testing. Allele origin: germline. Inheritance: Autosomal dominant inheritance. Affected: yes.
Comment: PM2